The following is an entry in ClinVar:

ClinVar aggregate classification (germline): Uncertain significance (1 of 4 stars; one submission).

Conditions:
Fanconi anemia (FA). Also called: Fanconi's anemia. Identifiers: Orphanet 84, MedGen C0015625, MeSH D005199, MONDO:0019391.

Allele frequency attached by ClinVar (database versions not stated): gnomAD exomes below 0.00001.
gnomAD v4.1: 1 of 1,209,275 alleles (0.000083%); highest among the groups gnomAD compares: Non-Finnish European, 0.00011%; no homozygotes.

Submission:

Labcorp Genetics (formerly Invitae), Labcorp
Classification: Uncertain significance for Fanconi anemia. Last evaluated: 2022-09-05. Review status: criteria provided, single submitter. Criteria: Invitae Variant Classification Sherloc (09022015). Collection method: clinical testing. Allele origin: germline.
Comment: In summary, the available evidence is currently insufficient to determine the role of this variant in disease. Therefore, it has been classified as a Variant of Uncertain Significance. This sequence change replaces arginine, which is basic and polar, with lysine, which is basic and polar, at codon 836 of the FANCB protein (p.Arg836Lys). This variant is not present in population databases (gnomAD no frequency). This variant has not been reported in the literature in individuals affected with FANCB-related conditions. Algorithms developed to predict the effect of missense changes on protein structure and function are either unavailable or do not agree on the potential impact of this missense change (SIFT: "Tolerated"; PolyPhen-2: "Possibly Damaging"; Align-GVGD: "Class C0").

NM_001018113.3(FANCB):c.2507G>A (p.Arg836Lys)

Gene: FANCB (FA complementation group B; minus strand). Cytogenetic location: Xp22.2.
Variant type: single nucleotide variant.
Coding change: c.2507G>A on transcript NM_001018113.3 (MANE Select); coding-DNA position 2507, G replaced by A.
Protein change: p.Arg836Lys; replaces arginine 836 with lysine.
Molecular consequence: missense variant.
Genome position (GRCh38, 1-based): chrX:14,843,640, C>T on the plus strand (G>A on the coding strand, the complement: FANCB is on the minus strand). VCF-style: chrX-14843640-C-T. GRCh37 (hg19) VCF-style: chrX-14861762-C-T.
Other names: c.2507G>A, p.Arg836Lys (NM_001324162.2, NM_152633.4); short protein forms R836K.
Identifiers: ClinVar variation 2413934 (VCV002413934.6), dbSNP rs2518945692, ClinGen allele CA412436997.